The following is an entry in ClinVar:

NM_198525.3(KIF7):c.2059C>T (p.Arg687Ter)

Gene: KIF7 (kinesin family member 7; minus strand). Cytogenetic location: 15q26.1.
Variant type: single nucleotide variant.
Coding change: c.2059C>T on transcript NM_198525.3 (MANE Select); coding-DNA position 2059, C replaced by T.
Protein change: p.Arg687Ter; replaces arginine 687 with a stop codon.
Molecular consequence: nonsense.
Genome position (GRCh38, 1-based): chr15:89,645,145, G>A on the plus strand (C>T on the coding strand, the complement: KIF7 is on the minus strand). VCF-style: chr15-89645145-G-A. GRCh37 (hg19) VCF-style: chr15-90188376-G-A.
Other names: short protein forms R687*.
Identifiers: ClinVar variation 1331557 (VCV001331557.8), dbSNP rs138736028, ClinGen allele CA7728348.

ClinVar aggregate classification (germline): Pathogenic/Likely pathogenic. Review status: criteria provided, multiple submitters, no conflicts (2 of 4 stars). 2 submissions from 2 submitters: Pathogenic (1); Likely pathogenic (1). Last evaluated 2022-10-04.

Conditions:
Acrocallosal syndrome (ACLS). Also called: Schinzel syndrome 1; Absence of corpus callosum with unusual facial appearance, mental deficiency, duplication of the halluces and polydactyly; HALLUX DUPLICATION, POSTAXIAL POLYDACTYLY, AND ABSENCE OF CORPUS CALLOSUM. Identifiers: Orphanet 36, MedGen C0796147, MONDO:0008708, OMIM 200990.

gnomAD v4.1: 16 of 1,604,264 alleles (0.001%); highest among the groups gnomAD compares: East Asian, 0.0022%; no homozygotes.

Submissions (2):

Labcorp Genetics (formerly Invitae), Labcorp
Classification: Pathogenic for Acrocallosal syndrome. Last evaluated: 2022-10-04. Review status: criteria provided, single submitter. Criteria: Invitae Variant Classification Sherloc (09022015). Collection method: clinical testing. Allele origin: germline.
Comment: This sequence change creates a premature translational stop signal (p.Arg687*) in the KIF7 gene. It is expected to result in an absent or disrupted protein product. Loss-of-function variants in KIF7 are known to be pathogenic (PMID: 19666503, 21552264, 21633164, 26648833). The frequency data for this variant in the population databases is considered unreliable, as metrics indicate poor data quality at this position in the gnomAD database. This variant has not been reported in the literature in individuals affected with KIF7-related conditions. ClinVar contains an entry for this variant (Variation ID: 1331557). For these reasons, this variant has been classified as Pathogenic.

Greenwood Genetic Center Diagnostic Laboratories, Greenwood Genetic Center
Classification: Likely pathogenic. Last evaluated: 2020-12-29. Review status: criteria provided, single submitter. Criteria: ACMG Guidelines, 2015. Collection method: clinical testing. Allele origin: germline. Affected: yes.
Comment: PVS1, PM2

Literature cited by the submitters: PubMed 19666503 (cited by Labcorp Genetics (formerly Invitae), Labcorp); PubMed 21552264 (cited by Labcorp Genetics (formerly Invitae), Labcorp); PubMed 21633164 (cited by Labcorp Genetics (formerly Invitae), Labcorp); PubMed 26648833 (cited by Labcorp Genetics (formerly Invitae), Labcorp).